The following is an entry in ClinVar:

NC_000006.12:g.53545239G>A

Gene: GCLC (glutamate-cysteine ligase catalytic subunit; minus strand). Cytogenetic location: 6p12.1.
Variant type: single nucleotide variant.
Genome position: GRCh38 VCF-style: chr6-53545239-G-A. GRCh37 (hg19) VCF-style: chr6-53410037-G-A.
Other names: -129C-T.
Identifiers: ClinVar variation 439753 (VCV000439753.17), dbSNP rs17883901, ClinGen allele CA139062382.

ClinVar aggregate classification (germline): Benign. Review status: criteria provided, multiple submitters, no conflicts (2 of 4 stars). 3 submissions from 3 submitters: Benign (2). 1 of the submissions does not count toward it. Last evaluated 2022-05-10.

Conditions:
Myocardial infarction, susceptibility to. Identifiers: MedGen C1832662, MONDO:0012039, OMIM 608446.

Allele frequency attached by ClinVar (database versions not stated): gnomAD 0.06174 and 0.06310; TOPMed 0.06219; 1000 Genomes Project 30x 0.06590; 1000 Genomes Project 0.06909; gnomAD exomes 0.08349.

Submissions (3):

ARUP Laboratories, Molecular Genetics and Genomics, ARUP Laboratories
Classification: Benign. Last evaluated: 2022-05-10. Review status: criteria provided, single submitter. Criteria: ARUP Molecular Germline Variant Investigation Process 2021. Collection method: clinical testing. Allele origin: germline.

GeneDx
Classification: Benign. Last evaluated: 2018-11-12. Review status: criteria provided, single submitter. Criteria: GeneDx Variant Classification Process June 2021. Collection method: clinical testing. Allele origin: germline. Affected: yes.
Comment: This variant is associated with the following publications: (PMID: 21962117, 12598062)

OMIM
Classification: risk factor for MYOCARDIAL INFARCTION, SUSCEPTIBILITY TO. Last evaluated: 2003-02-19. Review status: no assertion criteria provided. Collection method: literature only. Allele origin: germline. Not counted in ClinVar's aggregate classification.

Literature cited by the submitters: PubMed 12598062 (cited by OMIM).